The following is an entry in ClinVar:

NM_015311.3(OBSL1):c.4012del (p.Glu1338fs)

Gene: OBSL1 (obscurin like cytoskeletal adaptor 1; minus strand). Cytogenetic location: 2q35.
Variant type: Deletion.
Coding change: c.4012del on transcript NM_015311.3 (MANE Select); coding-DNA position 4012, one base deleted (G; older notation c.4012delG).
Protein change: p.Glu1338fs; shifts the reading frame from glutamic acid 1338.
Molecular consequence: frameshift variant.
Genome position (GRCh38, 1-based): chr2:219,557,397, C deleted on the plus strand (G on the coding strand, the reverse complement: OBSL1 is on the minus strand); the first of 4 consecutive C bases (chr2:219,557,397-219,557,400); deleting any one gives the same sequence. VCF-style (leftmost placement, unchanged base first): chr2-219557396-TC-T. GRCh37 (hg19) VCF-style: chr2-220422118-TC-T.
Other names: c.4012del, p.Glu1338fs (NM_001173431.2); short protein forms E1338fs.
Identifiers: ClinVar variation 3634772 (VCV003634772.2).
Genomic context (GRCh38, chr2:219,557,396, plus strand): 5'-CTGTTACCTTCCACGCTGACAAGGAAGATGCGGCTGTCCTGGGGCGCATCGCACAGGTAC[TC>T]CCCAGCGTCCCCGCTCCGTGCCCCCTGCACCCGCAGCACCTGCCTGGCCCCGGCCTGCTC-3'

ClinVar aggregate classification (germline): Uncertain significance (1 of 4 stars; one submission).

Submission:

Labcorp Genetics (formerly Invitae), Labcorp
Classification: Uncertain significance. Last evaluated: 2024-10-02. Review status: criteria provided, single submitter. Criteria: Invitae Variant Classification Sherloc (09022015). Collection method: clinical testing. Allele origin: germline.
Comment: This sequence change creates a premature translational stop signal (p.Glu1338Serfs*23) in the OBSL1 gene. However, it is currently unclear if variants that occur in this region of the gene cause disease. This variant is not present in population databases (gnomAD no frequency). This variant has not been reported in the literature in individuals affected with OBSL1-related conditions. Experimental studies and prediction algorithms are not available or were not evaluated, and the functional significance of this variant is currently unknown. In summary, the available evidence is currently insufficient to determine the role of this variant in disease. Therefore, it has been classified as a Variant of Uncertain Significance.